The following is an entry in ClinVar:

NM_000548.5(TSC2):c.1565_1566dup (p.His523fs)

Gene: TSC2 (TSC complex subunit 2; plus strand). Cytogenetic location: 16p13.3.
Variant type: Microsatellite.
Coding change: c.1565_1566dup on transcript NM_000548.5 (MANE Select); coding-DNA positions 1565 to 1566, 2 bases duplicated (AC; older notation c.1565_1566dupAC).
Protein change: p.His523fs; shifts the reading frame from histidine 523.
Molecular consequence: frameshift variant.
Genome position (GRCh38, 1-based): chr16:2,064,393-2,064,394, AC duplicated; duplicating any 2 consecutive bases within chr16:2,064,386-2,064,394 gives the same sequence; the c. name uses the placement nearest the transcript's 3' end. VCF-style (leftmost placement, unchanged base first): chr16-2064385-C-CCA. GRCh37 (hg19) VCF-style: chr16-2114386-C-CCA.
Other names: c.1565_1566dup, p.His523fs (NM_001077183.3, NM_001114382.3, NM_001363528.2 and 3 more transcripts); c.1454_1455dup, p.His486fs (NM_001318827.2); c.1418_1419dup, p.His474fs (NM_001318829.2); c.965_966dup, p.His323fs (NM_001318831.2); c.1598_1599dup, p.His534fs (NM_001318832.2); short protein forms H323fs, H474fs, H534fs, H486fs, H523fs.
Identifiers: ClinVar variation 467880 (VCV000467880.8), dbSNP rs1555502530, ClinGen allele CA658658362.
Genomic context (GRCh38, chr16:2,064,385, plus strand): 5'-TAAAGACCACCAGGTCCGAAAGCTGGCCACCCAGTTGCTGGTGGACCTGGCAGAGGGCTG[C>CCA]CACACACACCACTTCAACAGCCTGCTGGACATCATCGAGAAGGTGAGAGCCGTTGTACCC-3'

ClinVar aggregate classification (germline): Pathogenic (1 of 4 stars; one submission).

Conditions:
Tuberous sclerosis 2 (TSC2). Identifiers: Orphanet 805, MedGen C1860707, MONDO:0013199, OMIM 613254.

Submission:

Labcorp Genetics (formerly Invitae), Labcorp
Classification: Pathogenic for Tuberous sclerosis 2. Last evaluated: 2023-10-22. Review status: criteria provided, single submitter. Criteria: Invitae Variant Classification Sherloc (09022015). Collection method: clinical testing. Allele origin: germline.
Comment: This sequence change creates a premature translational stop signal (p.His523Thrfs*13) in the TSC2 gene. It is expected to result in an absent or disrupted protein product. Loss-of-function variants in TSC2 are known to be pathogenic (PMID: 10205261, 17304050). This variant is not present in population databases (gnomAD no frequency). This premature translational stop signal has been observed in individual(s) with tuberous sclerosis complex (PMID: 21520333). For these reasons, this variant has been classified as Pathogenic.

Literature cited by the submitters: PubMed 10205261; PubMed 17304050; PubMed 21520333.